The following is an entry in ClinVar:

NM_000548.5(TSC2):c.2067_2068del (p.Phe690fs)

Gene: TSC2 (TSC complex subunit 2; plus strand). Cytogenetic location: 16p13.3.
Variant type: Microsatellite.
Coding change: c.2067_2068del on transcript NM_000548.5 (MANE Select); coding-DNA positions 2067 to 2068, 2 bases deleted (CT; older notation c.2067_2068delCT).
Protein change: p.Phe690fs; shifts the reading frame from phenylalanine 690.
Molecular consequence: frameshift variant.
Genome position (GRCh38, 1-based): chr16:2,071,904-2,071,905, CT deleted; deleting any 2 consecutive bases within chr16:2,071,902-2,071,905 gives the same sequence; the c. name uses the placement nearest the transcript's 3' end. VCF-style (leftmost placement, unchanged base first): chr16-2071901-GCT-G. GRCh37 (hg19) VCF-style: chr16-2121902-GCT-G.
Other names: c.2067_2068del, p.Phe690fs (NM_001077183.3, NM_001114382.3, NM_001363528.2 and 3 more transcripts); c.1956_1957del, p.Phe653fs (NM_001318827.2); c.1920_1921del, p.Phe641fs (NM_001318829.2); c.1467_1468del, p.Phe490fs (NM_001318831.2); c.2100_2101del, p.Phe701fs (NM_001318832.2); short protein forms F690fs, F641fs, F653fs, F490fs, F701fs.
Identifiers: ClinVar variation 418920 (VCV000418920.2), dbSNP rs1064793524, ClinGen allele CA16620090.

ClinVar aggregate classification (germline): Pathogenic (1 of 4 stars; one submission).

Submission:

GeneDx
Classification: Pathogenic. Last evaluated: 2015-04-17. Review status: criteria provided, single submitter. Criteria: GeneDx Variant Classification (06012015). Collection method: clinical testing. Allele origin: germline. Affected: yes.
Comment: The c.2067_2068delCT deletion in the TSC2 gene causes a frameshift starting with codon Phenylalanine 690,changes this amino acid to a Proline residue and creates a premature Stop codon at position 12 of the newreading frame, denoted p.Phe690ProfsX12. This variant is predicted to cause loss of normal proteinfunction either through protein truncation or nonsense-mediated mRNA decay. Although this variant has notbeen previously reported to our knowledge, we interpret it as pathogenic.